The following is an entry in ClinVar:

NM_000400.4(ERCC2):c.566G>A (p.Trp189Ter)

Gene: ERCC2 (ERCC excision repair 2, TFIIH core complex helicase subunit; minus strand). Cytogenetic location: 19q13.32.
Variant type: single nucleotide variant.
Coding change: c.566G>A on transcript NM_000400.4 (MANE Select); coding-DNA position 566, G replaced by A.
Protein change: p.Trp189Ter; replaces tryptophan 189 with a stop codon.
Molecular consequence: nonsense.
Genome position (GRCh38, 1-based): chr19:45,364,866, C>T on the plus strand (G>A on the coding strand, the complement: ERCC2 is on the minus strand). VCF-style: chr19-45364866-C-T. GRCh37 (hg19) VCF-style: chr19-45868124-C-T.
Other names: c.494G>A, p.Trp165Ter (NM_001130867.2); short protein forms W165*, W189*.
Identifiers: ClinVar variation 3583948 (VCV003583948.2).
Genomic context (GRCh38, chr19:45,364,866, plus strand): 5'-CGCCCCTCTGCCCATCCCACCAGCCTCCTCACTGAGTATCGAGCAAGGAAGTATGGGCAC[C>T]AGCCCTGGCGCCGCCCCAGGGCCTTCAGGTCATCCAGGTTGTAGATGCCAGCGGGGAGGG-3'

ClinVar aggregate classification (germline): Pathogenic/Likely pathogenic. Review status: criteria provided, multiple submitters, no conflicts (2 of 4 stars). 2 submissions from 2 submitters: Pathogenic (1); Likely pathogenic (1). Last evaluated 2025-11-16.

Conditions:
Cerebrooculofacioskeletal syndrome 2 (COFS2). Identifiers: MedGen C1853102, MONDO:0012553, OMIM 610756.
Xeroderma pigmentosum, group D (XPD). Also called: XERODERMA PIGMENTOSUM, COMPLEMENTATION GROUP D; XERODERMA PIGMENTOSUM IV; XP, GROUP D; XP, GROUP H; ERCC2-Related Xeroderma Pigmentosum. Identifiers: MedGen C0268138, MONDO:0010212, OMIM 278730.
Trichothiodystrophy 1, photosensitive (TTD1). Also called: TAY SYNDROME; TRICHOTHIODYSTROPHY WITH CONGENITAL ICHTHYOSIS; PIBIDS SYNDROME. Identifiers: Orphanet 33364, MedGen C1866504, MONDO:0011125, OMIM 601675.

gnomAD v4.1: 5 of 1,613,740 alleles (0.00031%); no homozygotes.

Submissions (2):

Labcorp Genetics (formerly Invitae), Labcorp
Classification: Pathogenic. Last evaluated: 2025-11-16. Review status: criteria provided, single submitter. Criteria: Invitae Variant Classification Sherloc (09022015). Collection method: clinical testing. Allele origin: germline.
Comment: This sequence change creates a premature translational stop signal (p.Trp189*) in the ERCC2 gene. It is expected to result in an absent or disrupted protein product. Loss-of-function variants in ERCC2 are known to be pathogenic (PMID: 9238033, 11335038, 19085937, 19934020). This variant is present in population databases (rs779345223, gnomAD 0.01%). This variant has not been reported in the literature in individuals affected with ERCC2-related conditions. ClinVar contains an entry for this variant (Variation ID: 3583948). For these reasons, this variant has been classified as Pathogenic.

Fulgent Genetics
Classification: Likely pathogenic for Xeroderma pigmentosum, group D; Trichothiodystrophy 1, photosensitive; Cerebrooculofacioskeletal syndrome 2. Last evaluated: 2024-06-07. Review status: criteria provided, single submitter. Criteria: ACMG Guidelines, 2015. Collection method: clinical testing. Allele origin: germline.

Literature cited by the submitters: PubMed 9238033 (cited by Labcorp Genetics (formerly Invitae), Labcorp); PubMed 11335038 (cited by Labcorp Genetics (formerly Invitae), Labcorp); PubMed 19085937 (cited by Labcorp Genetics (formerly Invitae), Labcorp); PubMed 19934020 (cited by Labcorp Genetics (formerly Invitae), Labcorp).